The following is an entry in ClinVar:

NM_005262.3(GFER):c.496T>G (p.Phe166Val)

Gene: GFER (growth factor, augmenter of liver regeneration; plus strand). Cytogenetic location: 16p13.3.
Variant type: single nucleotide variant.
Coding change: c.496T>G on transcript NM_005262.3 (MANE Select); coding-DNA position 496, T replaced by G.
Protein change: p.Phe166Val; replaces phenylalanine 166 with valine.
Molecular consequence: missense variant.
Genome position (GRCh38, 1-based): chr16:1,985,906, T>G. VCF-style: chr16-1985906-T-G. GRCh37 (hg19) VCF-style: chr16-2035907-T-G.
Other names: short protein forms F166V.
Identifiers: ClinVar variation 1302462 (VCV001302462.6), dbSNP rs36041021, ClinGen allele CA394303957.

ClinVar aggregate classification (germline): Uncertain significance. Review status: criteria provided, multiple submitters, no conflicts (2 of 4 stars). 2 submissions from 2 submitters: Uncertain significance (2). Last evaluated 2021-11-28.

gnomAD v4.1: 13 of 1,612,848 alleles (0.00081%); highest among the groups gnomAD compares: Non-Finnish European, 0.0011%; no homozygotes.

Submissions (2):

Labcorp Genetics (formerly Invitae), Labcorp
Classification: Uncertain significance. Last evaluated: 2021-11-28. Review status: criteria provided, single submitter. Criteria: Invitae Variant Classification Sherloc (09022015). Collection method: clinical testing. Allele origin: germline.
Comment: This variant is present in population databases (no rsID available, gnomAD 0.007%). This sequence change replaces phenylalanine, which is neutral and non-polar, with valine, which is neutral and non-polar, at codon 166 of the GFER protein (p.Phe166Val). This variant has not been reported in the literature in individuals affected with GFER-related conditions. ClinVar contains an entry for this variant (Variation ID: 1302462). Algorithms developed to predict the effect of missense changes on protein structure and function are either unavailable or do not agree on the potential impact of this missense change (SIFT: "Tolerated"; PolyPhen-2: "Possibly Damaging"; Align-GVGD: "Class C0"). In summary, the available evidence is currently insufficient to determine the role of this variant in disease. Therefore, it has been classified as a Variant of Uncertain Significance.

GeneDx
Classification: Uncertain significance. Last evaluated: 2019-04-23. Review status: criteria provided, single submitter. Criteria: GeneDx Variant Classification Process June 2021. Collection method: clinical testing. Allele origin: germline. Affected: yes.
Comment: Has not been previously published as pathogenic or benign to our knowledge